The following is an entry in ClinVar:

ClinVar aggregate classification (germline): Uncertain significance (1 of 4 stars; one submission).

gnomAD v4.1: 88 of 1,600,752 alleles (0.0055%); highest among the groups gnomAD compares: Non-Finnish European, 0.0069%; no homozygotes.

Submission:

Women's Health and Genetics/Laboratory Corporation of America, LabCorp
Classification: Uncertain significance. Last evaluated: 2026-02-03. Review status: criteria provided, single submitter. Criteria: LabCorp Variant Classification Summary - May 2015. Collection method: clinical testing. Allele origin: germline.
Comment: Variant summary: GBF1 c.3408+3A>G alters a nucleotide located close to a canonical splice site and therefore could affect mRNA splicing, leading to a significantly altered protein sequence. Several computational tools predict a significant impact on normal splicing: One predict the variant abolishes a canonical 5' splicing donor site. Two predict the variant weakens a canonical 5' donor site. However, these predictions have yet to be confirmed by functional studies. The variant allele was found at a frequency of 4e-06 in 251084 control chromosomes. The available data on variant occurrences in the general population are insufficient to allow any conclusion about variant significance. To our knowledge, no occurrence of c.3408+3A>G in individuals affected with GBF1-related conditions and no experimental evidence demonstrating its impact on protein function have been reported. No submitters have cited clinical-significance assessments for this variant to ClinVar. Based on the evidence outlined above, the variant was classified as uncertain significance.

NM_001377137.1(GBF1):c.3411+3A>G

Gene: GBF1 (golgi brefeldin A resistant guanine nucleotide exchange factor 1; plus strand). Cytogenetic location: 10q24.32.
Variant type: single nucleotide variant.
Coding change: c.3411+3A>G on transcript NM_001377137.1 (MANE Select); 3 bases into the intron after coding-DNA position 3411, A replaced by G.
Molecular consequence: intron variant.
Genome position (GRCh38, 1-based): chr10:102,370,248, A>G. VCF-style: chr10-102370248-A-G. GRCh37 (hg19) VCF-style: chr10-104130005-A-G.
Other names: c.3171+3A>G (NM_001391929.1); c.3267+3A>G (NM_001391928.1); c.3372+3A>G (NM_001391925.1, NM_001377138.1); c.3114+3A>G (NM_001377139.1, NM_001377140.1); c.3030+3A>G (NM_001391931.1); c.3408+3A>G (NM_001391924.1, NM_001377141.1, NM_004193.3 and 3 more transcripts); c.3411+3A>G (NM_001391923.1, NM_001199378.2); c.3507+3A>G (NM_001411027.1, NM_001391922.1); and 2 more.
Identifiers: ClinVar variation 4848083 (VCV004848083.1).
Genomic context (GRCh38, chr10:102,370,248, plus strand): 5'-AAAAATGATCACAGAAAGCAAGTTCCTCCAGCTGGAGTCACTACAGGAGCTCATGAAGGT[A>G]AAGGATGAAGAAAGGAAACATGGAACAACTGGCTGAATCTGGGAGGGGTGACAGGGACAG-3'